The following is an entry in ClinVar:

ClinVar aggregate classification (germline): Pathogenic (1 of 4 stars; one submission).

Conditions:
Joubert syndrome. Also called: CEREBELLOPARENCHYMAL DISORDER IV; JOUBERT-BOLTSHAUSER SYNDROME; Familial aplasia of the vermis. Identifiers: Orphanet 475, MedGen C5979921, MONDO:0018772.
Meckel-Gruber syndrome. Also called: DYSENCEPHALIA SPLANCHNOCYSTICA; GRUBER SYNDROME; Dysencephalia splachnocystica. Identifiers: Orphanet 564, MedGen C0265215, MONDO:0018921.

Submission:

Labcorp Genetics (formerly Invitae), Labcorp
Classification: Pathogenic for Joubert syndrome; Meckel-Gruber syndrome. Last evaluated: 2025-04-16. Review status: criteria provided, single submitter. Criteria: Invitae Variant Classification Sherloc (09022015). Collection method: clinical testing. Allele origin: germline.
Comment: This sequence change creates a premature translational stop signal (p.Leu502Phefs*19) in the TCTN1 gene. It is expected to result in an absent or disrupted protein product. Loss-of-function variants in TCTN1 are known to be pathogenic (PMID: 21725307, 22693042, 27894351). This variant is not present in population databases (gnomAD no frequency). This variant has not been reported in the literature in individuals affected with TCTN1-related conditions. ClinVar contains an entry for this variant (Variation ID: 2948555). For these reasons, this variant has been classified as Pathogenic.

Literature cited by the submitters: PubMed 21725307; PubMed 22693042; PubMed 27894351.

NM_001082538.3(TCTN1):c.1505dup (p.Leu502fs)

Gene: TCTN1 (tectonic family member 1; plus strand). Cytogenetic location: 12q24.11.
Variant type: Duplication.
Coding change: c.1505dup on transcript NM_001082538.3 (MANE Select); coding-DNA position 1505, one base duplicated (T; older notation c.1505dupT).
Protein change: p.Leu502fs; shifts the reading frame from leucine 502.
Molecular consequence: frameshift variant. On other transcripts: intron variant (5).
Genome position (GRCh38, 1-based): chr12:110,647,206, T duplicated; the last of 4 consecutive T bases (chr12:110,647,203-110,647,206); duplicating any one gives the same sequence. VCF-style (leftmost placement, unchanged base first): chr12-110647202-G-GT. GRCh37 (hg19) VCF-style: chr12-111085007-G-GT.
Other names: c.1178dup, p.Leu393fs (NM_001173976.2); c.1327-5dup (NM_001173975.3); c.961-5dup (NM_001319681.2); c.1453-5dup (NM_024549.6); c.1495-5dup (NM_001082537.3); c.1348-5dup (NM_001319680.2); short protein forms L393fs, L502fs.
Identifiers: ClinVar variation 2948555 (VCV002948555.3), dbSNP rs1420275854, ClinGen allele CA2620904363.